The following is an entry in ClinVar:

ClinVar aggregate classification (germline): Pathogenic. Review status: criteria provided, multiple submitters, no conflicts (2 of 4 stars). 5 submissions from 5 submitters: Pathogenic (5). Last evaluated 2025-07-09.

Conditions:
CEP290-related ciliopathy. Also called: CEP290 ciliopathy. Identifiers: MedGen CN305601, MONDO:0100451.
Leber congenital amaurosis (LCA). Also called: Leber's amaurosis. Identifiers: Orphanet 65, MedGen C0339527, MeSH D057130, MONDO:0018998.
Joubert syndrome. Also called: Familial aplasia of the vermis; JOUBERT-BOLTSHAUSER SYNDROME. Identifiers: Orphanet 475, MedGen C5979921, MONDO:0018772.
Meckel-Gruber syndrome. Also called: DYSENCEPHALIA SPLANCHNOCYSTICA; GRUBER SYNDROME; Dysencephalia splachnocystica. Identifiers: Orphanet 564, MedGen C0265215, MONDO:0018921.
Nephronophthisis. Also called: Juvenile Nephronophthisis. Identifiers: Orphanet 655, MedGen C0687120, MONDO:0019005, HP:0000090.
CEP290-related disorder. Also called: CEP290-related disorders; CEP290-related condition. Identifiers: MedGen CN239314.
Bardet-Biedl syndrome 14 (BBS14). Identifiers: Orphanet 110, MedGen C2673874, MONDO:0014442, OMIM 615991.

Allele frequency attached by ClinVar (database versions not stated): gnomAD exomes below 0.00001 and 0.00001; TOPMed 0.00002.
gnomAD v4.1: 2 of 1,600,232 alleles (0.00012%); highest among the groups gnomAD compares: East Asian, 0.0022%; no homozygotes.

Submissions (5):

Natera, Inc.
Classification: Pathogenic for Leber congenital amaurosis. Last evaluated: 2025-07-09. Review status: criteria provided, single submitter. Criteria: Natera Variant Classification Schema (03/2026). Collection method: clinical testing. Allele origin: germline.
Comment: The c.1627G>T variant in CEP290 is a nonsense variant predicted to introduce a stop codon at amino acid 543. This variant is expected to result in nonsense mediated decay, truncation, or a dysfunctional protein product. This variant is rare in the general population with a frequency below the threshold expected for the associated phenotype(s). This variant has been observed in one or more individuals affected with the associated recessive disease, as either homozygous or compound heterozygous with a second variant (PMID: 28453600). Given the available evidence, this variant is classified as Pathogenic.

PreventionGenetics, part of Exact Sciences
Classification: Pathogenic for CEP290-related condition. Last evaluated: 2025-03-14. Review status: criteria provided, single submitter. Criteria: ACMG Guidelines, 2015. Collection method: clinical testing. Allele origin: germline.
Comment: The CEP290 c.1627G>T variant is predicted to result in premature protein termination (p.Glu543*). This variant was reported in the compound heterozygous state with a second CEP290 nonsense variant in an individual with Leber congenital amaurosis (Jinda et al 2017. PubMed ID: 28453600). This variant is reported in 0.012% of alleles in individuals of East Asian descent in gnomAD. Nonsense variants in CEP290 are expected to be pathogenic. This variant is interpreted as pathogenic.

Myriad Genetics, Inc.
Classification: Pathogenic for CEP290-related ciliopathy. Last evaluated: 2024-05-09. Review status: criteria provided, single submitter. Criteria: Myriad Autosomal Dominant, Autosomal Recessive and X-Linked Classification Criteria (2023). Collection method: clinical testing. Allele origin: unknown.
Comment: NM_025114.3(CEP290):c.1627G>T(E543*) is expected to be pathogenic in the context of CEP290-related disorders. This variant is predicted to lead to an abnormal or absent protein product due to the creation of a premature termination codon in CEP290, a gene where loss-of-function variants are known to be pathogenic. Please note: this variant was assessed in the context of healthy population screening.

Labcorp Genetics (formerly Invitae), Labcorp
Classification: Pathogenic for Joubert syndrome; Meckel-Gruber syndrome; Nephronophthisis. Last evaluated: 2023-12-05. Review status: criteria provided, single submitter. Criteria: Invitae Variant Classification Sherloc (09022015). Collection method: clinical testing. Allele origin: germline.
Comment: This sequence change creates a premature translational stop signal (p.Glu543*) in the CEP290 gene. It is expected to result in an absent or disrupted protein product. Loss-of-function variants in CEP290 are known to be pathogenic (PMID: 16909394, 17345604, 20690115). This variant is present in population databases (no rsID available, gnomAD 0.01%). This premature translational stop signal has been observed in individual(s) with Leber congenital amaurosis (PMID: 28453600). ClinVar contains an entry for this variant (Variation ID: 844541). For these reasons, this variant has been classified as Pathogenic.

Baylor Genetics
Classification: Pathogenic for Bardet-Biedl syndrome 14. Last evaluated: 2023-05-30. Review status: criteria provided, single submitter. Criteria: ACMG Guidelines, 2015. Collection method: clinical testing. Allele origin: unknown.

Literature cited by the submitters: PubMed 28453600 (cited by Natera, Inc. and Labcorp Genetics (formerly Invitae), Labcorp); PubMed 16909394 (cited by Labcorp Genetics (formerly Invitae), Labcorp); PubMed 17345604 (cited by Labcorp Genetics (formerly Invitae), Labcorp); PubMed 20690115 (cited by Labcorp Genetics (formerly Invitae), Labcorp).

NM_025114.4(CEP290):c.1627G>T (p.Glu543Ter)

Gene: CEP290 (centrosomal protein 290; minus strand). Cytogenetic location: 12q21.32.
Variant type: single nucleotide variant.
Coding change: c.1627G>T on transcript NM_025114.4 (MANE Select); coding-DNA position 1627, G replaced by T.
Protein change: p.Glu543Ter; replaces glutamic acid 543 with a stop codon.
Molecular consequence: nonsense.
Genome position (GRCh38, 1-based): chr12:88,118,567, C>A on the plus strand (G>T on the coding strand, the complement: CEP290 is on the minus strand). VCF-style: chr12-88118567-C-A. GRCh37 (hg19) VCF-style: chr12-88512344-C-A.
Other names: short protein forms E543*.
Identifiers: ClinVar variation 844541 (VCV000844541.15), dbSNP rs1186821575, ClinGen allele CA385979035.
Genomic context (GRCh38, chr12:88,118,567, plus strand): 5'-TTTCTTGAGCCATTTGACGAATTTTTTTTTTCAGATCAAGTCGTTCTTCCTCTAGACTTT[C>A]AATCTGCAAAGTATAAATTATTAGTATTTCTCTATAGTTCAGCCAAGAAAATAATCAACT-3'